The following is an entry in ClinVar:

ClinVar aggregate classification (germline): Uncertain significance (1 of 4 stars; one submission).

Allele frequency attached by ClinVar (database versions not stated): ExAC 0.00001; gnomAD exomes 0.00001; TOPMed 0.00002; gnomAD 0.00003; ESP Exome Variant Server 0.00008.
gnomAD v4.1: 12 of 1,570,246 alleles (0.00076%); highest among the groups gnomAD compares: Admixed American, 0.017%; no homozygotes.

Submission:

Labcorp Genetics (formerly Invitae), Labcorp
Classification: Uncertain significance. Last evaluated: 2023-07-07. Review status: criteria provided, single submitter. Criteria: Invitae Variant Classification Sherloc (09022015). Collection method: clinical testing. Allele origin: germline.
Comment: In summary, the available evidence is currently insufficient to determine the role of this variant in disease. Therefore, it has been classified as a Variant of Uncertain Significance. Advanced modeling of protein sequence and biophysical properties (such as structural, functional, and spatial information, amino acid conservation, physicochemical variation, residue mobility, and thermodynamic stability) performed at Invitae indicates that this missense variant is not expected to disrupt TNNI3K protein function. This variant has not been reported in the literature in individuals affected with TNNI3K-related conditions. This variant is present in population databases (rs148709595, gnomAD 0.02%). This sequence change replaces threonine, which is neutral and polar, with isoleucine, which is neutral and non-polar, at codon 183 of the TNNI3K protein (p.Thr183Ile).

NM_015978.3(TNNI3K):c.548C>T (p.Thr183Ile)

Genes: FPGT-TNNI3K (FPGT-TNNI3K readthrough; plus strand), TNNI3K (TNNI3 interacting kinase; plus strand). Cytogenetic location: 1p31.1.
Variant type: single nucleotide variant.
Coding change: c.548C>T on transcript NM_015978.3 (MANE Select); coding-DNA position 548, C replaced by T.
Protein change: p.Thr183Ile; replaces threonine 183 with isoleucine.
Molecular consequence: missense variant.
Genome position (GRCh38, 1-based): chr1:74,336,015, C>T. VCF-style: chr1-74336015-C-T. GRCh37 (hg19) VCF-style: chr1-74801699-C-T.
Other names: c.851C>T, p.Thr284Ile (NM_001112808.3, NM_001199327.2); short protein forms T183I, T284I.
Identifiers: ClinVar variation 2978612 (VCV002978612.3), dbSNP rs148709595, ClinGen allele CA908945.